The following is an entry in ClinVar:

ClinVar aggregate classification (germline): Pathogenic (1 of 4 stars; one submission).

Submission:

GeneDx
Classification: Pathogenic. Last evaluated: 2026-03-24. Review status: criteria provided, single submitter. Criteria: GeneDx Variant Classification Process June 2021. Collection method: clinical testing. Allele origin: germline.
Comment: Frameshift variant predicted to result in protein truncation or nonsense mediated decay in a gene for which loss of function is a known mechanism of disease; Not observed at significant frequency in large population cohorts (gnomAD); Has not been previously published as pathogenic or benign to our knowledge

NM_001330288.2(SMARCC2):c.3243del (p.Phe1082fs)

Gene: SMARCC2 (SWI/SNF related BAF chromatin remodeling complex subunit C2; minus strand). Cytogenetic location: 12q13.2.
Variant type: Deletion.
Coding change: c.3243del on transcript NM_001330288.2 (MANE Select); coding-DNA position 3243, one base deleted (G; older notation c.3243delG).
Protein change: p.Phe1082fs; shifts the reading frame from phenylalanine 1082.
Molecular consequence: frameshift variant.
Genome position (GRCh38, 1-based): chr12:56,164,721, C deleted on the plus strand (G on the coding strand, the reverse complement: SMARCC2 is on the minus strand). VCF-style (leftmost placement, unchanged base first): chr12-56164720-AC-A. GRCh37 (hg19) VCF-style: chr12-56558504-AC-A.
Other names: c.3243del, p.Phe1082fs (NM_001130420.3, NM_139067.4); c.3150del, p.Phe1051fs (NM_003075.5); short protein forms F1051fs, F1082fs.
Identifiers: ClinVar variation 5016914 (VCV005016914.1).